The following is an entry in ClinVar:

ClinVar aggregate classification (germline): Uncertain significance (1 of 4 stars; one submission).

Conditions:
Progressive sclerosing poliodystrophy (MTDPS4A). Also called: ALPERS PROGRESSIVE INFANTILE POLIODYSTROPHY; NEURONAL DEGENERATION OF CHILDHOOD WITH LIVER DISEASE, PROGRESSIVE; Alpers Syndrome; ALPERS DIFFUSE DEGENERATION OF CEREBRAL GRAY MATTER WITH HEPATIC CIRRHOSIS; Alpers-Huttenlocher Syndrome; Mitochondrial DNA Depletion Syndrome 4A. Identifiers: Orphanet 726, MedGen C0205710, MONDO:0008758, OMIM 203700.

gnomAD v4.1: 1 of 1,614,066 alleles (0.000062%); highest among the groups gnomAD compares: East Asian, 0.0022%; no homozygotes.

Submission:

Labcorp Genetics (formerly Invitae), Labcorp
Classification: Uncertain significance for Progressive sclerosing poliodystrophy. Last evaluated: 2024-05-16. Review status: criteria provided, single submitter. Criteria: Invitae Variant Classification Sherloc (09022015). Collection method: clinical testing. Allele origin: germline.
Comment: This sequence change replaces serine, which is neutral and polar, with proline, which is neutral and non-polar, at codon 272 of the POLG protein (p.Ser272Pro). This variant is not present in population databases (gnomAD no frequency). This variant has not been reported in the literature in individuals affected with POLG-related conditions. Advanced modeling of protein sequence and biophysical properties (such as structural, functional, and spatial information, amino acid conservation, physicochemical variation, residue mobility, and thermodynamic stability) has been performed at Invitae for this missense variant, however the output from this modeling did not meet the statistical confidence thresholds required to predict the impact of this variant on POLG protein function. In summary, the available evidence is currently insufficient to determine the role of this variant in disease. Therefore, it has been classified as a Variant of Uncertain Significance.

NM_002693.3(POLG):c.814T>C (p.Ser272Pro)

Gene: POLG (DNA polymerase gamma, catalytic subunit; minus strand). Cytogenetic location: 15q26.1.
Variant type: single nucleotide variant.
Coding change: c.814T>C on transcript NM_002693.3 (MANE Select); coding-DNA position 814, T replaced by C.
Protein change: p.Ser272Pro; replaces serine 272 with proline.
Molecular consequence: missense variant.
Genome position (GRCh38, 1-based): chr15:89,330,122, A>G on the plus strand (T>C on the coding strand, the complement: POLG is on the minus strand). VCF-style: chr15-89330122-A-G. GRCh37 (hg19) VCF-style: chr15-89873353-A-G.
Other names: c.814T>C, p.Ser272Pro (NM_001126131.2); short protein forms S272P.
Identifiers: ClinVar variation 2799716 (VCV002799716.3), dbSNP rs1567192772, ClinGen allele CA393766713.